The following is an entry in ClinVar:

NM_001367873.1(SOX6):c.1211_1240dup (p.Val413_Thr414insLysAsnGluLysArgGlyThrSerProVal)

Gene: SOX6 (SRY-box transcription factor 6; minus strand). Cytogenetic location: 11p15.2.
Variant type: Duplication.
Coding change: c.1211_1240dup on transcript NM_001367873.1 (MANE Select); coding-DNA positions 1211 to 1240, 30 bases duplicated (AAAATGAAAAGAGAGGGACCAGCCCTGTAA).
Protein change: p.Val413_Thr414insLysAsnGluLysArgGlyThrSerProVal.
Genome position (GRCh38, 1-based): chr11:16,055,763-16,055,792, TTACAGGGCTGGTCCCTCTCTTTTCATTTT duplicated on the plus strand (AAAATGAAAAGAGAGGGACCAGCCCTGTAA on the coding strand, the reverse complement: SOX6 is on the minus strand); duplicating any 30 consecutive bases within chr11:16,055,763-16,055,795 gives the same sequence; the c. name uses the placement nearest the transcript's 3' end. VCF-style (leftmost placement, unchanged base first): chr11-16055762-G-GTTACAGGGCTGGTCCCTCTCTTTTCATTTT. GRCh37 (hg19) VCF-style: chr11-16077308-G-GTTACAGGGCTGGTCCCTCTCTTTTCATTTT.
Other names: c.1088_1117dup, p.Val372_Thr373insLysAsnGluLysArgGlyThrSerProVal (NM_001145811.2, NM_001367872.1, NM_017508.3); c.1211_1240dup, p.Val413_Thr414insLysAsnGluLysArgGlyThrSerProVal (NM_001145819.2, NM_033326.3).
Identifiers: ClinVar variation 3906314 (VCV003906314.1).

ClinVar aggregate classification (germline): Uncertain significance (1 of 4 stars; one submission).

Submission:

GeneDx
Classification: Uncertain significance. Last evaluated: 2024-12-18. Review status: criteria provided, single submitter. Criteria: GeneDx Variant Classification Process June 2021. Collection method: clinical testing. Allele origin: germline. Affected: yes.
Comment: Not observed at significant frequency in large population cohorts (gnomAD); In-frame duplication of 10 amino acids in a non-repeat region; Has not been previously published as pathogenic or benign to our knowledge